The following is an entry in ClinVar:

ClinVar aggregate classification (germline): Uncertain significance (1 of 4 stars; one submission).

Conditions:
Primary ciliary dyskinesia 6. Also called: Primary Ciliary Dyskinesia 6: TXNDC3-Related Primary Ciliary Dyskinesia. Identifiers: Orphanet 244, MedGen C1970506, MONDO:0012571, OMIM 610852.

Submission:

Labcorp Genetics (formerly Invitae), Labcorp
Classification: Uncertain significance for Primary ciliary dyskinesia 6. Last evaluated: 2024-04-10. Review status: criteria provided, single submitter. Criteria: Invitae Variant Classification Sherloc (09022015). Collection method: clinical testing. Allele origin: germline.
Comment: This variant results in the deletion of part of exon 8 (c.525_528+1del) of the NME8 gene. It is expected to disrupt RNA splicing. Variants that disrupt the donor or acceptor splice site typically lead to a loss of protein function (PMID: 16199547), however the current clinical and genetic evidence is not sufficient to establish whether loss-of-function variants in NME8 cause disease. This variant is not present in population databases (gnomAD no frequency). This variant has not been reported in the literature in individuals affected with NME8-related conditions. ClinVar contains an entry for this variant (Variation ID: 580389). In summary, the available evidence is currently insufficient to determine the role of this variant in disease. Therefore, it has been classified as a Variant of Uncertain Significance.

Literature cited by the submitters: PubMed 16199547.

NM_016616.5(NME8):c.525_528+1del

Gene: NME8 (NME/NM23 family member 8; plus strand). Cytogenetic location: 7p14.1.
Variant type: Microsatellite.
Coding change: c.525_528+1del on transcript NM_016616.5 (MANE Select); coding-DNA position 525 through the canonical splice donor site of the intron after coding-DNA position 528, 5 bases deleted (AAAAG; older notation c.525_528+1delAAAAG).
Molecular consequence: splice donor variant.
Genome position (GRCh38, 1-based): chr7:37,864,418-37,864,422, AAAAG deleted; deleting any 5 consecutive bases within chr7:37,864,413-37,864,422 gives the same sequence; the c. name uses the placement nearest the transcript's 3' end. VCF-style (leftmost placement, unchanged base first): chr7-37864412-TAAAAG-T. GRCh37 (hg19) VCF-style: chr7-37904014-TAAAAG-T.
Other names: c.525_528+1delAAAAG (NM_016616.4).
Identifiers: ClinVar variation 580389 (VCV000580389.5), dbSNP rs1562831419, ClinGen allele CA891842893.